The following is an entry in ClinVar:

ClinVar aggregate classification (germline): Benign (1 of 4 stars; one submission).

Conditions:
Infantile nephronophthisis (NPHP2). Also called: Nephronophthisis 2, infantile; Nephronophthisis 2. Identifiers: Orphanet 655, Orphanet 93591, MedGen C1865872, MONDO:0011190, OMIM 602088.

Allele frequency attached by ClinVar (database versions not stated): gnomAD 0.00003 and 0.00093; TOPMed 0.00007; 1000 Genomes Project 0.00659.
gnomAD v4.1: 676 of 378,158 alleles (0.18%); highest among the groups gnomAD compares: South Asian, 2.1%; 13 homozygotes.

Submission:

Illumina Laboratory Services, Illumina
Classification: Benign for Infantile nephronophthisis. Last evaluated: 2018-01-13. Review status: criteria provided, single submitter. Criteria: ICSL Variant Classification Criteria 13 December 2019. Collection method: clinical testing. Allele origin: germline.
Comment: This variant was observed in the ICSL laboratory as part of a predisposition screen in an ostensibly healthy population. It had not been previously curated by ICSL or reported in the Human Gene Mutation Database (HGMD: prior to June 1st, 2018), and was therefore a candidate for classification through an automated scoring system. Utilizing variant allele frequency, disease prevalence and penetrance estimates, and inheritance mode, an automated score was calculated to assess if this variant is too frequent to cause the disease. Based on the score and internal cut-off values, a variant classified as benign is not then subjected to further curation. The score for this variant resulted in a classification of benign for this disease.

NM_014425.5(INVS):c.*297A>G

Gene: INVS (inversin; plus strand). Cytogenetic location: 9q31.1.
Variant type: single nucleotide variant.
Coding change: c.*297A>G on transcript NM_014425.5 (MANE Select); 297 bases downstream of the stop codon, A replaced by G.
Molecular consequence: 3 prime UTR variant. On other transcripts: non-coding transcript variant (1).
Genome position (GRCh38, 1-based): chr9:100,300,971, A>G. VCF-style: chr9-100300971-A-G. GRCh37 (hg19) VCF-style: chr9-103063253-A-G.
Other names: c.*297A>G (NM_001318381.2, NM_001318382.2).
Identifiers: ClinVar variation 915029 (VCV000915029.4), dbSNP rs190277417, ClinGen allele CA196906234.